The following is an entry in ClinVar:

ClinVar aggregate classification (germline): Uncertain significance (1 of 4 stars; one submission).

Conditions:
Congenital disorder of deglycosylation (CDDG). Identifiers: MedGen C3808991, MONDO:0031376.

Submission:

Labcorp Genetics (formerly Invitae), Labcorp
Classification: Uncertain significance for Congenital disorder of deglycosylation. Last evaluated: 2021-08-07. Review status: criteria provided, single submitter. Criteria: Invitae Variant Classification Sherloc (09022015). Collection method: clinical testing. Allele origin: germline.
Comment: This sequence change replaces proline with histidine at codon 46 of the NGLY1 protein (p.Pro46His). The proline residue is highly conserved and there is a moderate physicochemical difference between proline and histidine. This variant is not present in population databases (ExAC no frequency). This variant has not been reported in the literature in individuals affected with NGLY1-related conditions. Algorithms developed to predict the effect of missense changes on protein structure and function are either unavailable or do not agree on the potential impact of this missense change (SIFT: "Deleterious"; PolyPhen-2: "Probably Damaging"; Align-GVGD: "Class C0"). In summary, the available evidence is currently insufficient to determine the role of this variant in disease. Therefore, it has been classified as a Variant of Uncertain Significance.

NM_018297.4(NGLY1):c.137C>A (p.Pro46His)

Gene: NGLY1 (N-glycanase 1; minus strand). Cytogenetic location: 3p24.2.
Variant type: single nucleotide variant.
Coding change: c.137C>A on transcript NM_018297.4 (MANE Select); coding-DNA position 137, C replaced by A.
Protein change: p.Pro46His; replaces proline 46 with histidine.
Molecular consequence: missense variant.
Genome position (GRCh38, 1-based): chr3:25,778,683, G>T on the plus strand (C>A on the coding strand, the complement: NGLY1 is on the minus strand). VCF-style: chr3-25778683-G-T. GRCh37 (hg19) VCF-style: chr3-25820174-G-T.
Other names: c.137C>A, p.Pro46His (NM_001145293.2, NM_001145295.2); c.11C>A, p.Pro4His (NM_001145294.2); short protein forms P4H, P46H.
Identifiers: ClinVar variation 1510901 (VCV001510901.3), dbSNP rs920456609, ClinGen allele CA351911145.